The following is an entry in ClinVar:

ClinVar aggregate classification (germline): Likely pathogenic (1 of 4 stars; one submission).

Conditions:
Mucopolysaccharidosis, MPS-III-A (MPS3A). Also called: Mucopolysaccharidosis type IIIA (Sanfilippo A); HEPARAN SULFATE SULFATASE DEFICIENCY; SANFILIPPO SYNDROME A; SULFAMIDASE DEFICIENCY; MPS III A; MUCOPOLYSACCHARIDOSIS, TYPE IIIA, ATTENUATED. Identifiers: Orphanet 581, Orphanet 79269, MedGen C0086647, MONDO:0009655, OMIM 252900.

Submission:

Myriad Genetics, Inc.
Classification: Likely pathogenic for Mucopolysaccharidosis, MPS-III-A. Last evaluated: 2022-01-02. Review status: criteria provided, single submitter. Criteria: Myriad Women's Health Autosomal Recessive and X-Linked Classification Criteria (2021). Collection method: clinical testing. Allele origin: unknown.
Comment: NM_000199.3(SGSH):c.525_526insA(A176Sfs*20) is expected to be pathogenic in the context of mucopolysaccharidosis type IIIA. This variant is predicted to lead to an abnormal or absent protein product due to the creation of a premature termination codon in SGSH, a gene where loss-of-function variants are known to be pathogenic. Please note: this variant was assessed in the context of healthy population screening.

NM_000199.5(SGSH):c.525_526insA (p.Ala176fs)

Gene: SGSH (N-sulfoglucosamine sulfohydrolase; minus strand). Cytogenetic location: 17q25.3.
Variant type: Insertion.
Coding change: c.525_526insA on transcript NM_000199.5 (MANE Select); coding-DNA positions 525 to 526, A inserted.
Protein change: p.Ala176fs; shifts the reading frame from alanine 176.
Molecular consequence: frameshift variant. On other transcripts: non-coding transcript variant (1).
Genome position: GRCh38 VCF-style: chr17-80214309-C-CT. GRCh37 (hg19) VCF-style: chr17-78188108-C-CT.
Other names: c.525_526insA, p.Ala176fs (NM_001352921.3, NM_001352922.2); short protein forms A176fs.
Identifiers: ClinVar variation 1726949 (VCV001726949.2), dbSNP rs2510890974, ClinGen allele CA2580095328.